The following is an entry in ClinVar:

NM_005120.3(MED12):c.2291G>A (p.Arg764Gln)

Gene: MED12 (mediator complex subunit 12; plus strand). Cytogenetic location: Xq13.1.
Variant type: single nucleotide variant.
Coding change: c.2291G>A on transcript NM_005120.3 (MANE Select); coding-DNA position 2291, G replaced by A.
Protein change: p.Arg764Gln; replaces arginine 764 with glutamine.
Molecular consequence: missense variant.
Genome position (GRCh38, 1-based): chrX:71,125,415, G>A. VCF-style: chrX-71125415-G-A. GRCh37 (hg19) VCF-style: chrX-70345265-G-A.
Other names: short protein forms R764Q.
Identifiers: ClinVar variation 3337278 (VCV003337278.2).

ClinVar aggregate classification (germline): Uncertain significance. Review status: criteria provided, multiple submitters, no conflicts (2 of 4 stars). 2 submissions from 2 submitters: Uncertain significance (2). Last evaluated 2025-04-09.

Conditions:
FG syndrome (FGS). Identifiers: MedGen C0220769, MONDO:0002010.

Submissions (2):

Labcorp Genetics (formerly Invitae), Labcorp
Classification: Uncertain significance for FG syndrome. Last evaluated: 2025-04-09. Review status: criteria provided, single submitter. Criteria: Invitae Variant Classification Sherloc (09022015). Collection method: clinical testing. Allele origin: germline.
Comment: This sequence change replaces arginine, which is basic and polar, with glutamine, which is neutral and polar, at codon 764 of the MED12 protein (p.Arg764Gln). This variant is not present in population databases (gnomAD no frequency). This variant has not been reported in the literature in individuals affected with MED12-related conditions. ClinVar contains an entry for this variant (Variation ID: 3337278). Invitae Evidence Modeling of protein sequence and biophysical properties (such as structural, functional, and spatial information, amino acid conservation, physicochemical variation, residue mobility, and thermodynamic stability) indicates that this missense variant is expected to disrupt MED12 protein function with a positive predictive value of 95%. In summary, the available evidence is currently insufficient to determine the role of this variant in disease. Therefore, it has been classified as a Variant of Uncertain Significance.

Clinical Genetics Laboratory, Skane University Hospital Lund
Classification: Uncertain significance. Last evaluated: 2022-05-27. Review status: criteria provided, single submitter. Criteria: ACMG Guidelines, 2015. Collection method: clinical testing. Allele origin: germline. Affected: yes.